The following is an entry in ClinVar:

NM_017780.4(CHD7):c.3840del (p.Gln1281fs)

Gene: CHD7 (chromodomain helicase DNA binding protein 7; plus strand). Cytogenetic location: 8q12.2.
Variant type: Deletion.
Coding change: c.3840del on transcript NM_017780.4 (MANE Select); coding-DNA position 3840, one base deleted (T; older notation c.3840delT).
Protein change: p.Gln1281fs; shifts the reading frame from glutamine 1281.
Molecular consequence: frameshift variant. On other transcripts: intron variant (1).
Genome position (GRCh38, 1-based): chr8:60,836,134, T deleted; the last of 4 consecutive T bases (chr8:60,836,131-60,836,134); deleting any one gives the same sequence. VCF-style (leftmost placement, unchanged base first): chr8-60836130-AT-A. GRCh37 (hg19) VCF-style: chr8-61748689-AT-A.
Other names: c.1717-26095del (NM_001316690.1); short protein forms Q1281fs.
Identifiers: ClinVar variation 2036535 (VCV002036535.4), dbSNP rs2487895449, ClinGen allele CA2580078456.
Genomic context (GRCh38, chr8:60,836,130, plus strand): 5'-CAGGTGCTGAAGAGAAAATTTTGGAAGAGTTTAAAGAAACACACAATGCAGAGTCTCCAG[AT>A]TTTCAGCTCCAGGCAATGATCCAGGCTGCTGGCAAGCTAGTGCTGATTGACAAGCTGCTG-3'

ClinVar aggregate classification (germline): Pathogenic (1 of 4 stars; one submission).

Conditions:
CHARGE syndrome (CHARGE). Also called: Hittner Hirsch Kreh syndrome; CHARGE ASSOCIATION--COLOBOMA, HEART ANOMALY, CHOANAL ATRESIA, RETARDATION, GENITAL AND EAR ANOMALIES; Coloboma, heart anomaly, choanal atresia, retardation, genital and ear anomalies; CHARGE association; Hall-Hittner syndrome. Identifiers: Orphanet 138, MedGen C0265354, MONDO:0008965.

Submission:

Labcorp Genetics (formerly Invitae), Labcorp
Classification: Pathogenic for CHARGE syndrome. Last evaluated: 2022-10-22. Review status: criteria provided, single submitter. Criteria: Invitae Variant Classification Sherloc (09022015). Collection method: clinical testing. Allele origin: germline.
Comment: This sequence change creates a premature translational stop signal (p.Gln1281Serfs*5) in the CHD7 gene. It is expected to result in an absent or disrupted protein product. Loss-of-function variants in CHD7 are known to be pathogenic (PMID: 22461308, 25077900). This variant is not present in population databases (gnomAD no frequency). This variant has not been reported in the literature in individuals affected with CHD7-related conditions. For these reasons, this variant has been classified as Pathogenic.

Literature cited by the submitters: PubMed 22461308; PubMed 25077900.